The following is an entry in ClinVar:

NM_001376.5(DYNC1H1):c.8257C>T (p.Arg2753Cys)

Gene: DYNC1H1 (dynein cytoplasmic 1 heavy chain 1; plus strand). Cytogenetic location: 14q32.31.
Variant type: single nucleotide variant.
Coding change: c.8257C>T on transcript NM_001376.5 (MANE Select); coding-DNA position 8257, C replaced by T.
Protein change: p.Arg2753Cys; replaces arginine 2753 with cysteine.
Molecular consequence: missense variant.
Genome position (GRCh38, 1-based): chr14:102,018,530, C>T. VCF-style: chr14-102018530-C-T. GRCh37 (hg19) VCF-style: chr14-102484867-C-T.
Other names: short protein forms R2753C.
Identifiers: ClinVar variation 852579 (VCV000852579.9), dbSNP rs2048350905, ClinGen allele CA391005525.

ClinVar aggregate classification (germline): Uncertain significance (1 of 4 stars; one submission).

Conditions:
Charcot-Marie-Tooth disease axonal type 2O. Also called: CHARCOT-MARIE-TOOTH NEUROPATHY, AXONAL, TYPE 2O; CHARCOT-MARIE-TOOTH DISEASE, AXONAL, AUTOSOMAL DOMINANT, TYPE 2O; Charcot-Marie-Tooth Neuropathy Type 2O; Charcot-Marie-Tooth disease, axonal, type 20. Identifiers: Orphanet 284232, MedGen C3280220, MONDO:0013644, OMIM 614228.

Allele frequency attached by ClinVar (database versions not stated): gnomAD exomes below 0.00001.
gnomAD v4.1: 1 of 1,614,110 alleles (0.000062%); highest among the groups gnomAD compares: East Asian, 0.0022%; no homozygotes.

Submission:

Labcorp Genetics (formerly Invitae), Labcorp
Classification: Uncertain significance for Charcot-Marie-Tooth disease axonal type 2O. Last evaluated: 2023-04-14. Review status: criteria provided, single submitter. Criteria: Invitae Variant Classification Sherloc (09022015). Collection method: clinical testing. Allele origin: germline.
Comment: In summary, the available evidence is currently insufficient to determine the role of this variant in disease. Therefore, it has been classified as a Variant of Uncertain Significance. Advanced modeling of protein sequence and biophysical properties (such as structural, functional, and spatial information, amino acid conservation, physicochemical variation, residue mobility, and thermodynamic stability) has been performed at Invitae for this missense variant, however the output from this modeling did not meet the statistical confidence thresholds required to predict the impact of this variant on DYNC1H1 protein function. ClinVar contains an entry for this variant (Variation ID: 852579). This variant has not been reported in the literature in individuals affected with DYNC1H1-related conditions. This variant is not present in population databases (gnomAD no frequency). This sequence change replaces arginine, which is basic and polar, with cysteine, which is neutral and slightly polar, at codon 2753 of the DYNC1H1 protein (p.Arg2753Cys).